The following is an entry in ClinVar:

ClinVar aggregate classification (germline): Uncertain significance (1 of 4 stars; one submission).

Conditions:
Infantile spasms. Also called: Infantile spasm. Identifiers: MedGen C3887898, HP:0012469.

Submission:

Labcorp Genetics (formerly Invitae), Labcorp
Classification: Uncertain significance for Infantile spasms. Last evaluated: 2024-12-02. Review status: criteria provided, single submitter. Criteria: Invitae Variant Classification Sherloc (09022015). Collection method: clinical testing. Allele origin: germline.
Comment: This sequence change replaces aspartic acid, which is acidic and polar, with glycine, which is neutral and non-polar, at codon 113 of the PIK3AP1 protein (p.Asp113Gly). This variant is not present in population databases (gnomAD no frequency). This variant has not been reported in the literature in individuals affected with PIK3AP1-related conditions. ClinVar contains an entry for this variant (Variation ID: 1348383). An algorithm developed to predict the effect of missense changes on protein structure and function (PolyPhen-2) suggests that this variant is likely to be tolerated. In summary, the available evidence is currently insufficient to determine the role of this variant in disease. Therefore, it has been classified as a Variant of Uncertain Significance.

NM_152309.3(PIK3AP1):c.338A>G (p.Asp113Gly)

Gene: PIK3AP1 (phosphoinositide-3-kinase adaptor protein 1; minus strand). Cytogenetic location: 10q24.1.
Variant type: single nucleotide variant.
Coding change: c.338A>G on transcript NM_152309.3 (MANE Select); coding-DNA position 338, A replaced by G.
Protein change: p.Asp113Gly; replaces aspartic acid 113 with glycine.
Molecular consequence: missense variant.
Genome position (GRCh38, 1-based): chr10:96,709,659, T>C on the plus strand (A>G on the coding strand, the complement: PIK3AP1 is on the minus strand). VCF-style: chr10-96709659-T-C. GRCh37 (hg19) VCF-style: chr10-98469416-T-C.
Other names: short protein forms D113G.
Identifiers: ClinVar variation 1348383 (VCV001348383.8), dbSNP rs2134291149, ClinGen allele CA377759309.